The following is an entry in ClinVar:

ClinVar aggregate classification (germline): Uncertain significance. Review status: criteria provided, multiple submitters, no conflicts (2 of 4 stars). 2 submissions from 2 submitters: Uncertain significance (2). Last evaluated 2024-08-27.

Conditions:
Inborn genetic diseases. Identifiers: MedGen C0950123, MeSH D030342.
Epidermolysis bullosa simplex 5B, with muscular dystrophy (EBS5B). Also called: Epidermolysis bullosa simplex with muscular dystrophy; EPIDERMOLYSIS BULLOSA SIMPLEX AND LIMB-GIRDLE MUSCULAR DYSTROPHY. Identifiers: Orphanet 257, MedGen C2931072, MONDO:0009181, OMIM 226670.
Epidermolysis bullosa simplex, Ogna type (EBS5A). Also called: Pidermolysis bullosa simplex 5A, Ogna type; EPIDERMOLYSIS BULLOSA SIMPLEX 5A, OGNA TYPE. Identifiers: Orphanet 79401, MedGen C0432317, MONDO:0007555, OMIM 131950.
Autosomal recessive limb-girdle muscular dystrophy type 2Q (LGMDR17). Also called: MUSCULAR DYSTROPHY, LIMB-GIRDLE, AUTOSOMAL RECESSIVE 17. Identifiers: Orphanet 254361, MedGen C3150989, MONDO:0013390, OMIM 613723.
Epidermolysis bullosa simplex with nail dystrophy (EBS5D). Identifiers: MedGen C4225309, MONDO:0014661, OMIM 616487.
Epidermolysis bullosa simplex 5C, with pyloric atresia (EBS5C). Also called: Epidermolysis bullosa simplex with pyloric atresia; PLEC-Related Epidermolysis Bullosa with Pyloric Atresia; PLEC1-Related Epidermolysis Bullosa with Pyloric Atresia. Identifiers: Orphanet 158684, MedGen C2677349, MONDO:0012807, OMIM 612138.

Allele frequency attached by ClinVar (database versions not stated): gnomAD exomes below 0.00001 and 0.00001; TOPMed below 0.00001.
gnomAD v4.1: 5 of 1,539,370 alleles (0.00032%); highest among the groups gnomAD compares: Non-Finnish European, 0.00044%; no homozygotes.

Submissions (2):

Ambry Genetics
Classification: Uncertain significance for Inborn genetic diseases. Last evaluated: 2024-08-27. Review status: criteria provided, single submitter. Criteria: Ambry Variant Classification Scheme 2023. Collection method: clinical testing. Allele origin: germline.

Labcorp Genetics (formerly Invitae), Labcorp
Classification: Uncertain significance for Autosomal recessive limb-girdle muscular dystrophy type 2Q; Epidermolysis bullosa simplex, Ogna type; Epidermolysis bullosa simplex with nail dystrophy; Epidermolysis bullosa simplex 5C, with pyloric atresia; Epidermolysis bullosa simplex 5B, with muscular dystrophy. Last evaluated: 2024-05-10. Review status: criteria provided, single submitter. Criteria: Invitae Variant Classification Sherloc (09022015). Collection method: clinical testing. Allele origin: germline.
Comment: This sequence change replaces alanine, which is neutral and non-polar, with glycine, which is neutral and non-polar, at codon 4574 of the PLEC protein (p.Ala4574Gly). This variant is present in population databases (no rsID available, gnomAD 0.002%). This variant has not been reported in the literature in individuals affected with PLEC-related conditions. ClinVar contains an entry for this variant (Variation ID: 960435). Experimental studies and prediction algorithms are not available or were not evaluated, and the functional significance of this variant is currently unknown. In summary, the available evidence is currently insufficient to determine the role of this variant in disease. Therefore, it has been classified as a Variant of Uncertain Significance.

NM_201384.3(PLEC):c.13640C>G (p.Ala4547Gly)

Gene: PLEC (plectin; minus strand). Cytogenetic location: 8q24.3.
Variant type: single nucleotide variant.
Coding change: c.13640C>G on transcript NM_201384.3 (MANE Select); coding-DNA position 13640, C replaced by G.
Protein change: p.Ala4547Gly; replaces alanine 4547 with glycine.
Molecular consequence: missense variant.
Genome position (GRCh38, 1-based): chr8:143,916,181, G>C on the plus strand (C>G on the coding strand, the complement: PLEC is on the minus strand). VCF-style: chr8-143916181-G-C. GRCh37 (hg19) VCF-style: chr8-144990349-G-C.
Other names: c.13721C>G (NM_000445.3); c.13721C>G, p.Ala4574Gly (NM_000445.5); c.13598C>G, p.Ala4533Gly (NM_201378.4); c.13574C>G, p.Ala4525Gly (NM_201379.3); c.14051C>G, p.Ala4684Gly (NM_201380.4); c.13544C>G, p.Ala4515Gly (NM_201381.3); c.13640C>G, p.Ala4547Gly (NM_201382.4); c.13652C>G, p.Ala4551Gly (NM_201383.3); short protein forms A4574G, A4547G, A4684G, A4525G, A4533G, A4515G, A4551G.
Identifiers: ClinVar variation 960435 (VCV000960435.11), dbSNP rs1554668138, ClinGen allele CA372473157.